The following is an entry in ClinVar:

ClinVar aggregate classification (germline): Pathogenic/Likely pathogenic. Review status: criteria provided, multiple submitters, no conflicts (2 of 4 stars). 8 submissions from 8 submitters: Pathogenic (4); Likely pathogenic (3). 1 of the submissions does not count toward it. Last evaluated 2025-10-09.

Conditions:
Cardiovascular phenotype. Identifiers: MedGen CN230736.
Hypertrophic cardiomyopathy 26. Also called: Cardiomyopathy, familial hypertrophic, 26. Identifiers: Orphanet 75249, MedGen C4310749, MONDO:0014883, OMIM 617047.
Myofibrillar myopathy 5. Also called: Filaminopathy (type); FILAMINOPATHY, AUTOSOMAL DOMINANT. Identifiers: Orphanet 171445, MedGen C1836050, MONDO:0012289, OMIM 609524.
Distal myopathy with posterior leg and anterior hand involvement. Also called: WILLIAMS DISTAL MYOPATHY. Identifiers: Orphanet 63273, MedGen C3279722, MONDO:0013550, OMIM 614065.
Primary familial dilated cardiomyopathy (FDC). Also called: Familial dilated cardiomyopathy; Hypokinetic dilated cardiomyopathy, familial. Identifiers: Orphanet 217607, MedGen C0340427, MONDO:0016333.
FLNC-related disorder. Also called: FLNC-related disorders; FLNC-related condition.

gnomAD v4.1: 2 of 1,614,060 alleles (0.00012%); highest among the groups gnomAD compares: South Asian, 0.0011%; no homozygotes.

Submissions (8):

Labcorp Genetics (formerly Invitae), Labcorp
Classification: Pathogenic for Distal myopathy with posterior leg and anterior hand involvement; Myofibrillar myopathy 5; Hypertrophic cardiomyopathy 26. Last evaluated: 2025-10-09. Review status: criteria provided, single submitter. Criteria: Invitae Variant Classification Sherloc (09022015). Collection method: clinical testing. Allele origin: germline.
Comment: This sequence change creates a premature translational stop signal (p.Arg1657*) in the FLNC gene. It is expected to result in an absent or disrupted protein product. Loss-of-function variants in FLNC are known to be pathogenic (PMID: 27908349). This variant is not present in population databases (gnomAD no frequency). This variant has not been reported in the literature in individuals affected with FLNC-related conditions. ClinVar contains an entry for this variant (Variation ID: 620418). For these reasons, this variant has been classified as Pathogenic.

Department of Human Genetics, Hannover Medical School
Classification: Likely pathogenic for Hypertrophic cardiomyopathy 26. Last evaluated: 2024-11-14. Review status: criteria provided, single submitter. Criteria: ACMG Guidelines, 2015. Collection method: clinical testing. Allele origin: germline. Affected: yes.
Comment: ACMG: PVS1, PM2_Supporting

Fulgent Genetics
Classification: Likely pathogenic for Myofibrillar myopathy 5; Distal myopathy with posterior leg and anterior hand involvement; Hypertrophic cardiomyopathy 26. Last evaluated: 2024-05-14. Review status: criteria provided, single submitter. Criteria: ACMG Guidelines, 2015. Collection method: clinical testing. Allele origin: germline.

Women's Health and Genetics/Laboratory Corporation of America, LabCorp
Classification: Pathogenic for Primary familial dilated cardiomyopathy. Last evaluated: 2024-05-07. Review status: criteria provided, single submitter. Criteria: LabCorp Variant Classification Summary - May 2015. Collection method: clinical testing. Allele origin: germline.
Comment: Variant summary: FLNC c.4969C>T (p.Arg1657X) results in a premature termination codon, predicted to cause a truncation of the encoded protein or absence of the protein due to nonsense mediated decay, which are commonly known mechanisms for disease. The variant was absent in 249230 control chromosomes. To our knowledge, no occurrence of c.4969C>T in individuals affected with Dilated Cardiomyopathy and no experimental evidence demonstrating its impact on protein function have been reported. ClinVar contains an entry for this variant (Variation ID: 620418). Based on the evidence outlined above, the variant was classified as pathogenic.

Ambry Genetics
Classification: Pathogenic for Cardiovascular phenotype. Last evaluated: 2023-07-28. Review status: criteria provided, single submitter. Criteria: Ambry Variant Classification Scheme 2023. Collection method: clinical testing. Allele origin: germline.
Comment: The p.R1657* pathogenic mutation (also known as c.4969C>T), located in coding exon 30 of the FLNC gene, results from a C to T substitution at nucleotide position 4969. This changes the amino acid from an arginine to a stop codon within coding exon 30. This variant is considered to be rare based on population cohorts in the Genome Aggregation Database (gnomAD). This alteration is expected to result in loss of function by premature protein truncation or nonsense-mediated mRNA decay. Based on the supporting evidence, this variant is expected to be causative of FLNC-related dilated cardiomyopathy; however, its clinical significance for FLNC-related hypertrophy/restrictive cardiomyopathy and/or skeletal myopathy is unclear.

Blueprint Genetics
Classification: Pathogenic for FLNC-related disorders. Last evaluated: 2023-02-22. Review status: criteria provided, single submitter. Criteria: ACMG Guidelines, 2015. Collection method: clinical testing. Allele origin: germline. Affected: yes. Observed: 1 variant allele.

GeneDx
Classification: Likely pathogenic. Last evaluated: 2021-11-23. Review status: criteria provided, single submitter. Criteria: GeneDx Variant Classification Process June 2021. Collection method: clinical testing. Allele origin: germline. Affected: yes.
Comment: Nonsense variant predicted to result in protein truncation or nonsense mediated decay in a gene for which loss-of-function is a known mechanism of disease; Not observed at significant frequency in large population cohorts (Lek et al., 2016); Reported in an individual with dilated cardiomyopathy (Verdonschot et. al, 2020); This variant is associated with the following publications: (PMID: 31589614, 32112656)

PreventionGenetics, part of Exact Sciences
Classification: Likely pathogenic for FLNC-related condition. Last evaluated: 2024-09-10. Review status: no assertion criteria provided. Collection method: clinical testing. Allele origin: germline. Not counted in ClinVar's aggregate classification.
Comment: The FLNC c.4969C>T variant is predicted to result in premature protein termination (p.Arg1657*). This variant has been reported to be associated with dilated cardiomyopathy (from Leiden Open Variation Database (LOVD) and cited in Verdonschot et al. 2020. PubMed ID: 32112656). This variant has not been reported in a large population database, indicating this variant is rare. Nonsense variants in FLNC are expected to be pathogenic. This variant is interpreted as likely pathogenic.

Literature cited by the submitters: PubMed 27908349 (cited by Labcorp Genetics (formerly Invitae), Labcorp).

NM_001458.5(FLNC):c.4969C>T (p.Arg1657Ter)

Gene: FLNC (filamin C; plus strand). Cytogenetic location: 7q32.1.
Variant type: single nucleotide variant.
Coding change: c.4969C>T on transcript NM_001458.5 (MANE Select); coding-DNA position 4969, C replaced by T.
Protein change: p.Arg1657Ter; replaces arginine 1657 with a stop codon.
Molecular consequence: nonsense.
Genome position (GRCh38, 1-based): chr7:128,849,348, C>T. VCF-style: chr7-128849348-C-T. GRCh37 (hg19) VCF-style: chr7-128489402-C-T.
Other names: c.4969C>T, p.Arg1657Ter (NM_001127487.2); short protein forms R1657*.
Identifiers: ClinVar variation 620418 (VCV000620418.19), dbSNP rs1563000044, ClinGen allele CA369203897.